The following is an entry in ClinVar:

NM_001142864.4(PIEZO1):c.2546G>A (p.Arg849His)

Genes: HSALR1 (HSP90AB1 associated lncRNA 1; plus strand), PIEZO1 (piezo type mechanosensitive ion channel component 1 (Er blood group); minus strand). Cytogenetic location: 16q24.3.
Variant type: single nucleotide variant.
Coding change: c.2546G>A on transcript NM_001142864.4 (MANE Select); coding-DNA position 2546, G replaced by A.
Protein change: p.Arg849His; replaces arginine 849 with histidine.
Molecular consequence: missense variant.
Genome position (GRCh38, 1-based): chr16:88,733,396, C>T on the plus strand (G>A on the coding strand, the complement: PIEZO1 is on the minus strand). VCF-style: chr16-88733396-C-T. GRCh37 (hg19) VCF-style: chr16-88799804-C-T.
Other names: p.Arg849His; c.2546G>A (NM_001142864.3, NM_001142864.2); c.1088G>A, p.Arg363His (NM_014745.1); short protein forms R363H, R849H.
Identifiers: ClinVar variation 2434804 (VCV002434804.23), dbSNP rs774090082, ClinGen allele CA8232753.
Genomic context (GRCh38, chr16:88,733,396, plus strand): 5'-TTACACACGATGATGACGCAGGTCCACACGGTGGACAGGCAGGAGGCCATGGGCCGGAAG[C>T]GTGGGTAGGGCAGGGCGAAGGCCCACAGCACCACCAGCAGCAGGTTCATCACCGACACCT-3'
Protein context (NP_001136336.2, residues 839-859): VLWAFALPYP[Arg849His]FRPMASCLST

ClinVar aggregate classification (germline): Conflicting classifications of pathogenicity. Review status: criteria provided, conflicting classifications (1 of 4 stars). 7 submissions from 7 submitters: Uncertain significance (4); Benign (1); Likely benign (2). Last evaluated 2026-09-17.

Conditions:
PIEZO1-related disorder. Also called: PIEZO1-related condition; PIEZO1-Related Disorders.
Inborn genetic diseases. Identifiers: MedGen C0950123, MeSH D030342.

Allele frequency attached by ClinVar (database versions not stated): ExAC 0.00005; TOPMed 0.00014; gnomAD 0.00015.
gnomAD v4.1: 525 of 1,549,976 alleles (0.034%); highest among the groups gnomAD compares: Non-Finnish European, 0.042%; 1 homozygote.

Submissions (7):

PreventionGenetics, part of Exact Sciences
Classification: Uncertain significance for PIEZO1-related condition. Last evaluated: 2026-09-17. Review status: criteria provided, single submitter. Criteria: ACMG Guidelines, 2015. Collection method: clinical testing. Allele origin: germline.
Comment: The PIEZO1 c.2546G>A variant is predicted to result in the amino acid substitution p.Arg849His. To our knowledge, this variant has not been reported in the literature. This variant is reported in 0.031% of alleles in individuals of European (Non-Finnish) descent in gnomAD. At this time, the clinical significance of this variant is uncertain due to the absence of conclusive functional and genetic evidence.

Labcorp Genetics (formerly Invitae), Labcorp
Classification: Benign. Last evaluated: 2026-01-15. Review status: criteria provided, single submitter. Criteria: Invitae Variant Classification Sherloc (09022015). Collection method: clinical testing. Allele origin: germline.

GeneDx
Classification: Uncertain significance. Last evaluated: 2026-01-12. Review status: criteria provided, single submitter. Criteria: GeneDx Variant Classification Process June 2021. Collection method: clinical testing. Allele origin: germline.
Comment: In silico analysis supports that this missense variant has a deleterious effect on protein structure/function; Has not been previously published as pathogenic or benign to our knowledge

Ambry Genetics
Classification: Uncertain significance for Inborn genetic diseases. Last evaluated: 2025-10-06. Review status: criteria provided, single submitter. Criteria: Ambry Variant Classification Scheme 2023. Collection method: clinical testing. Allele origin: germline.

CeGaT Center for Human Genetics Tuebingen
Classification: Likely benign. Last evaluated: 2025-01-01. Review status: criteria provided, single submitter. Criteria: CeGaT Center For Human Genetics Tuebingen Variant Classification Criteria Version 2. Collection method: clinical testing. Allele origin: germline. Affected: yes. Observed: 1 variant allele.
Comment: PIEZO1: BP4

Mayo Clinic Laboratories, Mayo Clinic
Classification: Uncertain significance. Last evaluated: 2024-12-10. Review status: criteria provided, single submitter. Criteria: ACMG Guidelines, 2015. Collection method: clinical testing. Allele origin: germline. Observed: 1 variant allele.
Comment: BP4_moderate, PM2_supporting

Revvity Omics, Revvity
Classification: Likely benign. Last evaluated: 2024-02-14. Review status: criteria provided, single submitter. Criteria: ACMG Guidelines, 2015. Collection method: clinical testing. Allele origin: germline.